The following is an entry in ClinVar:

ClinVar aggregate classification (germline): Uncertain significance (1 of 4 stars; one submission).

Conditions:
Dilated cardiomyopathy 1J (CMD1J). Also called: CARDIOMYOPATHY, DILATED, WITH SENSORINEURAL HEARING LOSS, AUTOSOMAL DOMINANT. Identifiers: Orphanet 217622, MedGen C1854368, MONDO:0011541, OMIM 605362.

Submission:

Labcorp Genetics (formerly Invitae), Labcorp
Classification: Uncertain significance for Dilated cardiomyopathy 1J. Last evaluated: 2025-12-24. Review status: criteria provided, single submitter. Criteria: Invitae Variant Classification Sherloc (09022015). Collection method: clinical testing. Allele origin: germline.
Comment: This sequence change replaces glycine, which is neutral and non-polar, with arginine, which is basic and polar, at codon 318 of the EYA4 protein (p.Gly318Arg). This variant is not present in population databases (gnomAD no frequency). This variant has not been reported in the literature in individuals affected with EYA4-related conditions. Invitae Evidence Modeling of protein sequence and biophysical properties (such as structural, functional, and spatial information, amino acid conservation, physicochemical variation, residue mobility, and thermodynamic stability) indicates that this missense variant is not expected to disrupt EYA4 protein function with a negative predictive value of 80%. In summary, the available evidence is currently insufficient to determine the role of this variant in disease. Therefore, it has been classified as a Variant of Uncertain Significance.

NM_004100.5(EYA4):c.952G>A (p.Gly318Arg)

Gene: EYA4 (EYA transcriptional coactivator and phosphatase 4; plus strand). Cytogenetic location: 6q23.2.
Variant type: single nucleotide variant.
Coding change: c.952G>A on transcript NM_004100.5 (MANE Select); coding-DNA position 952, G replaced by A.
Protein change: p.Gly318Arg; replaces glycine 318 with arginine.
Molecular consequence: missense variant.
Genome position (GRCh38, 1-based): chr6:133,468,713, G>A. VCF-style: chr6-133468713-G-A. GRCh37 (hg19) VCF-style: chr6-133789851-G-A.
Other names: c.790G>A, p.Gly264Arg (NM_001301012.2, NM_001370459.1); c.952G>A, p.Gly318Arg (NM_001301013.2, NM_172105.4); c.883G>A, p.Gly295Arg (NM_001370458.1, NM_172103.4); short protein forms G264R, G295R, G318R.
Identifiers: ClinVar variation 4743847 (VCV004743847.1).